The following is an entry in ClinVar:

NM_006506.5(RASA2):c.1749_1751del (p.Lys584del)

Gene: RASA2 (RAS p21 protein activator 2; plus strand). Cytogenetic location: 3q23.
Variant type: Deletion.
Coding change: c.1749_1751del on transcript NM_006506.5 (MANE Select); coding-DNA positions 1749 to 1751, 3 bases deleted (AAA; older notation c.1749_1751delAAA).
Protein change: p.Lys584del; deletes lysine 584.
Molecular consequence: inframe deletion.
Genome position (GRCh38, 1-based): chr3:141,581,174-141,581,176, AAA deleted; deleting any 3 consecutive bases within chr3:141,581,172-141,581,176 gives the same sequence; the c. name uses the placement nearest the transcript's 3' end. VCF-style (leftmost placement, unchanged base first): chr3-141581171-TAAA-T. GRCh37 (hg19) VCF-style: chr3-141300013-TAAA-T.
Other names: c.1749_1751del, p.Lys584del (NM_001303245.3, NM_001303246.3); short protein forms K584del.
Identifiers: ClinVar variation 2755594 (VCV002755594.3), dbSNP rs1322866568, ClinGen allele CA1054281447.

ClinVar aggregate classification (germline): Uncertain significance (1 of 4 stars; one submission).

Submission:

Labcorp Genetics (formerly Invitae), Labcorp
Classification: Uncertain significance. Last evaluated: 2023-06-08. Review status: criteria provided, single submitter. Criteria: Invitae Variant Classification Sherloc (09022015). Collection method: clinical testing. Allele origin: germline.
Comment: In summary, the available evidence is currently insufficient to determine the role of this variant in disease. Therefore, it has been classified as a Variant of Uncertain Significance. Experimental studies and prediction algorithms are not available or were not evaluated, and the functional significance of this variant is currently unknown. This variant has not been reported in the literature in individuals affected with RASA2-related conditions. This variant is not present in population databases (gnomAD no frequency). This variant, c.1749_1751del, results in the deletion of 1 amino acid(s) of the RASA2 protein (p.Lys584del), but otherwise preserves the integrity of the reading frame.